The following is an entry in ClinVar:

NM_000551.4(VHL):c.486C>G (p.Cys162Trp)

Genes: VHL (von Hippel-Lindau tumor suppressor; plus strand), LOC107303340 (3p25 von Hippel-Lindau tumor suppressor, E3 ubiquitin protein ligase Alu-mediated recombination region; plus strand). Cytogenetic location: 3p25.3.
Variant type: single nucleotide variant.
Coding change: c.486C>G on transcript NM_000551.4 (MANE Select); coding-DNA position 486, C replaced by G.
Protein change: p.Cys162Trp; replaces cysteine 162 with tryptophan.
Molecular consequence: missense variant. On other transcripts: 3 prime UTR variant (1).
Genome position (GRCh38, 1-based): chr3:10,149,809, C>G. VCF-style: chr3-10149809-C-G. GRCh37 (hg19) VCF-style: chr3-10191493-C-G.
Other names: c.*40C>G (NM_001354723.2); c.363C>G, p.Cys121Trp (NM_198156.3); short protein forms C162W, C121W.
Identifiers: ClinVar variation 223227 (VCV000223227.21), dbSNP rs5030622, ClinGen allele CA357016.

ClinVar aggregate classification (germline): Pathogenic/Likely pathogenic. Review status: criteria provided, multiple submitters, no conflicts (2 of 4 stars). 8 submissions from 8 submitters: Pathogenic (6); Likely pathogenic (1). 1 of the submissions does not count toward it. Last evaluated 2026-02-04.

Conditions:
Von Hippel-Lindau syndrome (VHLS). Also called: VHL syndrome; Von Hippel-Lindau; von Hippel–Lindau syndrome. Identifiers: Orphanet 892, MedGen C0019562, MONDO:0008667, OMIM 193300. Disease mechanism: loss of function.
Chuvash polycythemia. Also called: POLYCYTHEMIA, VHL-DEPENDENT. Identifiers: Orphanet 238557, MedGen C1837915, MONDO:0009892, OMIM 263400.
Hereditary cancer-predisposing syndrome. Also called: Hereditary Cancer Syndrome; Tumor predisposition; Hereditary neoplastic syndrome; Neoplastic Syndromes, Hereditary. Identifiers: Orphanet 140162, MedGen C0027672, MeSH D009386, MONDO:0015356.

Submissions (8):

Dasa
Classification: Pathogenic for von Hippel-Lindau disease. Last evaluated: 2026-02-04. Review status: criteria provided, single submitter. Criteria: DASA Assertion Criteria. Collection method: clinical testing. Allele origin: germline.
Comment: NM_000551.4(VHL):c.486C>G (p.Cys162Trp) is a missense variant that results in the substitution of cysteine with tryptophan. The affected residue or protein region has prior evidence supporting clinical relevance. This variant has been recurrently observed in individuals with VHL-related disorders (PMID: 17350623; PMID: 9829911; PMID: 15177666; PMID: 31620170; PMID: 31737565). Functional evidence supports an impact on the gene or gene product (PMID: 17350623; PMID: 9829911; PMID: 15177666; PMID: 31620170; PMID: 31737565). Also, this variant is absent from population databases. Computational evidence supports a deleterious effect. Based on the currently available evidence, this variant is classified as pathogenic.

Quest Diagnostics Nichols Institute San Juan Capistrano
Classification: Pathogenic. Last evaluated: 2025-10-28. Review status: criteria provided, single submitter. Criteria: Quest Diagnostics criteria. Collection method: clinical testing. Allele origin: unknown.
Comment: The VHL c.486C>G (p.Cys162Trp) variant has been reported in the published literature in multiple individuals and/or families with Von Hippel-Lindau syndrome (PMID: 36905328 (2023), 31620170 (2019), 19270817 (2009), 12202531 (2002), 18446368 (2008), 9829912 (1998), 8707293 (1996), 7728151 (1995))). Functional studies demonstrated that this variant had a damaging effect on protein function (PMID: 38969834 (2024), 17350623 (2007)). This variant has not been reported in large, multi-ethnic general populations (Genome Aggregation Database). Analysis of this variant using bioinformatics tools for the prediction of the effect of amino acid changes on protein structure and function yielded predictions that this variant is damaging. Based on the available information, this variant is classified as pathogenic.

Women's Health and Genetics/Laboratory Corporation of America, LabCorp
Classification: Pathogenic for Von Hippel-Lindau syndrome. Last evaluated: 2025-09-10. Review status: criteria provided, single submitter. Criteria: LabCorp Variant Classification Summary - May 2015. Collection method: clinical testing. Allele origin: germline.
Comment: Variant summary: VHL c.486C>G (p.Cys162Trp) results in a non-conservative amino acid change in the encoded protein sequence. Algorithms developed to predict the effect of missense changes on protein structure and function all suggest that this variant is likely to be disruptive. The variant was absent in 251904 control chromosomes. c.486C>G has been observed in multiple individuals affected with Von Hippel-Lindau Syndrome (e.g. Dollfux_2002, Chen_1995, Glavac_1996, Mohr_200, Cho_2009). These data indicate that the variant is very likely to be associated with disease. A different variant affecting the same codon has been classified as likely pathogenic/pathogenic by our lab (c.484T>C, p.Cys162Arg), supporting the critical relevance of codon 162 to VHL protein function. To our knowledge, no experimental evidence demonstrating an impact on protein function has been reported. The following publications have been ascertained in the context of this evaluation (PMID: 7728151, 19270817, 12202531, 8707293, 11073821). ClinVar contains an entry for this variant (Variation ID: 223227). Based on the evidence outlined above, the variant was classified as pathogenic.

Mayo Clinic Laboratories, Mayo Clinic
Classification: Likely pathogenic. Last evaluated: 2025-07-09. Review status: criteria provided, single submitter. Criteria: ACMG Guidelines, 2015. Collection method: clinical testing. Allele origin: germline. Observed: 1 variant allele.
Comment: PP3, PM1, PM2_supporting, PS4

Labcorp Genetics (formerly Invitae), Labcorp
Classification: Pathogenic for Von Hippel-Lindau syndrome; Chuvash polycythemia. Last evaluated: 2024-11-27. Review status: criteria provided, single submitter. Criteria: Invitae Variant Classification Sherloc (09022015). Collection method: clinical testing. Allele origin: germline.
Comment: This sequence change replaces cysteine, which is neutral and slightly polar, with tryptophan, which is neutral and slightly polar, at codon 162 of the VHL protein (p.Cys162Trp). This variant is not present in population databases (gnomAD no frequency). This missense change has been observed in individuals with von Hippel-Lindau disease (PMID: 9829912, 10408776, 12202531, 15177666, 19270817, 25867206). This variant is also known as c.699C>G (p.Cys233Trp). ClinVar contains an entry for this variant (Variation ID: 223227). Invitae Evidence Modeling of protein sequence and biophysical properties (such as structural, functional, and spatial information, amino acid conservation, physicochemical variation, residue mobility, and thermodynamic stability) indicates that this missense variant is expected to disrupt VHL protein function with a positive predictive value of 95%. Experimental studies have shown that this missense change affects VHL function (PMID: 17350623). This variant disrupts the p.Cys162 amino acid residue in VHL. Other variant(s) that disrupt this residue have been determined to be pathogenic (PMID: 11331612). This suggests that this residue is clinically significant, and that variants that disrupt this residue are likely to be disease-causing. For these reasons, this variant has been classified as Pathogenic.

Ambry Genetics
Classification: Pathogenic for Hereditary cancer-predisposing syndrome. Last evaluated: 2024-01-23. Review status: criteria provided, single submitter. Criteria: Ambry Variant Classification Scheme 2023. Collection method: clinical testing. Allele origin: germline.
Comment: The p.C162W pathogenic mutation (also known as c.486C>G), located in coding exon 3 of the VHL gene, results from a C to G substitution at nucleotide position 486. The cysteine at codon 162 is replaced by tryptophan, an amino acid with highly dissimilar properties. This pathogenic mutation has been reported in numerous individuals with personal and/or family history consistent with von Hippel-Lindau disease (Ambry internal data; Chen F et al. Hum. Mutat. 1995;5:66-75; Glavac D et al. Hum. Genet. 1996 Sep;98:271-80; Gallou C et al. Hum. Mutat. 1999;13:464-75; Gl&auml;sker S et al. J. Neurol. Neurosurg. Psychiatr. 1999 Dec;67:758-62; Dollfus H et al. Invest. Ophthalmol. Vis. Sci. 2002 Sep;43:3067-74; Cho HJ et al. J. Korean Med. Sci. 2009 Feb;24:77-83; Wong M et al. Chin J Cancer. 2016 Aug;35:79; Hong B et al. Front Genet, 2019 Sep;10:867). Of note, this variant is referred to as 699C>G in some literature. Another alteration at the same codon, p.C162R (c.484T>C), has been reported in numerous families diagnosed with von Hippel-Lindau (VHL) (Chen F et al. Hum Mutat. 1995;5:66-75; Gallou C et al. Hum. Mutat. 1999;13:464-75; Cho HJ et al. J. Korean Med. Sci. 2009 Feb;24:77-83; Zhang J et al. Chin Med J (Engl). 2015 Jan;128:32-8). This variant was not reported in population-based cohorts in the Genome Aggregation Database (gnomAD). This amino acid position is highly conserved in available vertebrate species. In addition, this alteration is predicted to be deleterious by in silico analysis. Based on the supporting evidence, this alteration is interpreted as a disease-causing mutation.

PreventionGenetics, part of Exact Sciences
Classification: Pathogenic. Last evaluated: 2021-10-28. Review status: criteria provided, single submitter. Criteria: ACMG Guidelines, 2015. Collection method: clinical testing. Allele origin: germline.

Genomic Diagnostic Laboratory, Division of Genomic Diagnostics, Children's Hospital of Philadelphia
Classification: Pathogenic for Von Hippel-Lindau syndrome. Last evaluated: 2016-02-26. Review status: no assertion criteria provided. Collection method: clinical testing. Allele origin: germline. Affected: yes. Observed: 6 variant alleles. Not counted in ClinVar's aggregate classification.

Literature cited by the submitters: PubMed 17350623 (cited by 4 submitters); PubMed 9829911 (cited by Dasa and Ambry Genetics); PubMed 15177666 (cited by 3 submitters); PubMed 31620170 (cited by 3 submitters); PubMed 31737565 (cited by Dasa); PubMed 11309459 (cited by Dasa); PubMed 10567493 (cited by 4 submitters); PubMed 25563310 (cited by Dasa); PubMed 20151405 (cited by Dasa); PubMed 20233476 (cited by Dasa); PubMed 22158988 (cited by Dasa); PubMed 8707293 (cited by 3 submitters); PubMed 19270817 (cited by 4 submitters); PubMed 9829912 (cited by 5 submitters); PubMed 10340905 (cited by Women's Health and Genetics/Laboratory Corporation of America, LabCorp); PubMed 7728151 (cited by Women's Health and Genetics/Laboratory Corporation of America, LabCorp and Ambry Genetics); PubMed 12202531 (cited by 4 submitters); PubMed 15300849 (cited by Women's Health and Genetics/Laboratory Corporation of America, LabCorp); PubMed 11114638 (cited by Women's Health and Genetics/Laboratory Corporation of America, LabCorp); PubMed 11073821 (cited by Women's Health and Genetics/Laboratory Corporation of America, LabCorp); PubMed 10458336 (cited by Women's Health and Genetics/Laboratory Corporation of America, LabCorp); PubMed 17407064 (cited by Women's Health and Genetics/Laboratory Corporation of America, LabCorp); PubMed 17688370 (cited by Women's Health and Genetics/Laboratory Corporation of America, LabCorp); PubMed 18446368 (cited by Women's Health and Genetics/Laboratory Corporation of America, LabCorp); PubMed 18584357 (cited by Women's Health and Genetics/Laboratory Corporation of America, LabCorp); PubMed 12917628 (cited by Women's Health and Genetics/Laboratory Corporation of America, LabCorp); PubMed 10900011 (cited by Women's Health and Genetics/Laboratory Corporation of America, LabCorp); PubMed 10408776 (cited by 3 submitters); PubMed 25867206 (cited by Mayo Clinic Laboratories, Mayo Clinic and Labcorp Genetics (formerly Invitae), Labcorp); PubMed 27527340 (cited by Mayo Clinic Laboratories, Mayo Clinic); PubMed 33720516 (cited by Mayo Clinic Laboratories, Mayo Clinic); PubMed 36905328 (cited by Mayo Clinic Laboratories, Mayo Clinic); PubMed 11331612 (cited by Labcorp Genetics (formerly Invitae), Labcorp and Ambry Genetics); PubMed 22649785 (cited by Ambry Genetics).